The following is an entry in ClinVar:

NM_001378454.1(ALMS1):c.86C>A (p.Ala29Asp)

Gene: ALMS1 (ALMS1 centrosome and basal body associated protein; plus strand). Cytogenetic location: 2p13.1.
Variant type: single nucleotide variant.
Coding change: c.86C>A on transcript NM_001378454.1 (MANE Select); coding-DNA position 86, C replaced by A.
Protein change: p.Ala29Asp; replaces alanine 29 with aspartic acid.
Molecular consequence: missense variant.
Genome position (GRCh38, 1-based): chr2:73,385,954, C>A. VCF-style: chr2-73385954-C-A. GRCh37 (hg19) VCF-style: chr2-73613082-C-A.
Other names: c.89C>A, p.Ala30Asp (NM_015120.4); short protein forms A29D, A30D.
Identifiers: ClinVar variation 1715085 (VCV001715085.5), dbSNP rs774968380, ClinGen allele CA347250582.
Genomic context (GRCh38, chr2:73,385,954, plus strand): 5'-CGGGCGAGCTGGAGGAGGAGGAGGAGGAGGAGGAGGAGGAGGAGGAGGAAGAGGAGGAGG[C>A]TGCAGCGGCGGCGGCGGCGAACGTGGACGACGTAGTGGTCGTGGAGGAGGTGGAGGAAGA-3'
Protein context (NP_001365383.1, residues 19-39): EEEEEEEEEE[Ala29Asp]AAAAAANVDD

ClinVar aggregate classification (germline): Uncertain significance (1 of 4 stars; one submission).

Conditions:
Alstrom syndrome (ALMS). Identifiers: Orphanet 64, MedGen C0268425, MONDO:0008763, OMIM 203800.

Submission:

Labcorp Genetics (formerly Invitae), Labcorp
Classification: Uncertain significance for Alstrom syndrome. Last evaluated: 2022-08-05. Review status: criteria provided, single submitter. Criteria: Invitae Variant Classification Sherloc (09022015). Collection method: clinical testing. Allele origin: germline.
Comment: The frequency data for this variant in the population databases is considered unreliable, as metrics indicate poor data quality at this position in the gnomAD database. This variant has not been reported in the literature in individuals affected with ALMS1-related conditions. Experimental studies and prediction algorithms are not available or were not evaluated, and the functional significance of this variant is currently unknown. In summary, the available evidence is currently insufficient to determine the role of this variant in disease. Therefore, it has been classified as a Variant of Uncertain Significance. This sequence change replaces alanine, which is neutral and non-polar, with aspartic acid, which is acidic and polar, at codon 30 of the ALMS1 protein (p.Ala30Asp).